The following is an entry in ClinVar:

NM_001135022.2(ELMOD3):c.908G>A (p.Arg303Gln)

Gene: ELMOD3 (ELMO domain containing 3; plus strand). Cytogenetic location: 2p11.2.
Variant type: single nucleotide variant.
Coding change: c.908G>A on transcript NM_001135022.2 (MANE Select); coding-DNA position 908, G replaced by A.
Protein change: p.Arg303Gln; replaces arginine 303 with glutamine.
Molecular consequence: missense variant. On other transcripts: non-coding transcript variant (3).
Genome position (GRCh38, 1-based): chr2:85,390,230, G>A. VCF-style: chr2-85390230-G-A. GRCh37 (hg19) VCF-style: chr2-85617353-G-A.
Other names: c.908G>A (NM_001135021.1, NM_032213.4); c.908G>A, p.Arg303Gln (NM_001135021.2, NM_001135023.2, NM_001329791.2 and 3 more transcripts); short protein forms R303Q.
Identifiers: ClinVar variation 2693043 (VCV002693043.5), dbSNP rs148789800, ClinGen allele CA1740542.

ClinVar aggregate classification (germline): Conflicting classifications of pathogenicity. Review status: criteria provided, conflicting classifications (1 of 4 stars). 3 submissions from 3 submitters: Uncertain significance (2); Likely benign (1). Last evaluated 2026-06-04.

Conditions:
ELMOD3-related disorder. Also called: ELMOD3-related condition.

Allele frequency attached by ClinVar (database versions not stated): ExAC 0.00003; gnomAD exomes 0.00004; gnomAD 0.00005; TOPMed 0.00006; ESP Exome Variant Server 0.00008.
gnomAD v4.1: 61 of 1,614,034 alleles (0.0038%); highest among the groups gnomAD compares: Middle Eastern, 0.016%; no homozygotes.

Submissions (3):

PreventionGenetics, part of Exact Sciences
Classification: Uncertain significance for ELMOD3-related condition. Last evaluated: 2026-06-04. Review status: criteria provided, single submitter. Criteria: ACMG Guidelines, 2015. Collection method: clinical testing. Allele origin: germline.
Comment: The ELMOD3 c.908G>A variant is predicted to result in the amino acid substitution p.Arg303Gln. To our knowledge, this variant has not been reported in the literature. This variant is reported in 0.018% of alleles in individuals of African descent in gnomAD. At this time, the clinical significance of this variant is uncertain due to the absence of conclusive functional and genetic evidence.

Ambry Genetics
Classification: Likely benign. Last evaluated: 2025-09-27. Review status: criteria provided, single submitter. Criteria: Ambry Variant Classification Scheme 2023. Collection method: clinical testing. Allele origin: germline.

Labcorp Genetics (formerly Invitae), Labcorp
Classification: Uncertain significance. Last evaluated: 2024-06-28. Review status: criteria provided, single submitter. Criteria: Invitae Variant Classification Sherloc (09022015). Collection method: clinical testing. Allele origin: germline.
Comment: This sequence change replaces arginine, which is basic and polar, with glutamine, which is neutral and polar, at codon 303 of the ELMOD3 protein (p.Arg303Gln). This variant is present in population databases (rs148789800, gnomAD 0.02%). This variant has not been reported in the literature in individuals affected with ELMOD3-related conditions. Advanced modeling of protein sequence and biophysical properties (such as structural, functional, and spatial information, amino acid conservation, physicochemical variation, residue mobility, and thermodynamic stability) performed at Invitae indicates that this missense variant is not expected to disrupt ELMOD3 protein function with a negative predictive value of 80%. In summary, the available evidence is currently insufficient to determine the role of this variant in disease. Therefore, it has been classified as a Variant of Uncertain Significance.